The following is an entry in ClinVar:

NM_000091.5(COL4A3):c.2992G>T (p.Asp998Tyr)

Genes: COL4A3 (collagen type IV alpha 3 chain; plus strand), MFF-DT (MFF divergent transcript; minus strand). Cytogenetic location: 2q36.3.
Variant type: single nucleotide variant.
Coding change: c.2992G>T on transcript NM_000091.5 (MANE Select); coding-DNA position 2992, G replaced by T.
Protein change: p.Asp998Tyr; replaces aspartic acid 998 with tyrosine.
Molecular consequence: missense variant.
Genome position (GRCh38, 1-based): chr2:227,290,010, G>T. VCF-style: chr2-227290010-G-T. GRCh37 (hg19) VCF-style: chr2-228154726-G-T.
Other names: short protein forms D998Y.
Identifiers: ClinVar variation 1308154 (VCV001308154.2), dbSNP rs2106206059, ClinGen allele CA350854802.
Genomic context (GRCh38, chr2:227,290,010, plus strand): 5'-ACTATGTCCAGGAACTGTGCAGGGCAATAACTACTTATTTGTTCTCAAGGCCCCAGAGGA[G>T]ATTTGGGCAGCACTGGGAATCCTGGAGAACCAGGACTGCGTGGTATACCAGGAAGCATGG-3'
Protein context (NP_000082.2, residues 988-1008): GPAGPPGPRG[Asp998Tyr]LGSTGNPGEP

ClinVar aggregate classification (germline): Uncertain significance (1 of 4 stars; one submission).

Submission:

GeneDx
Classification: Uncertain significance. Last evaluated: 2020-03-17. Review status: criteria provided, single submitter. Criteria: GeneDx Variant Classification Process June 2021. Collection method: clinical testing. Allele origin: germline. Affected: yes.
Comment: Not observed in large population cohorts (Lek et al., 2016); In silico analysis, which includes protein predictors and evolutionary conservation, supports a deleterious effect; Has not been previously published as pathogenic or benign to our knowledge; Occurs in the triple helical domain at the X position in the canonical Gly-X-Y repeat; although this variant may have an effect on normal protein folding and function, missense substitution at the X position is not a common mechanism of disease